The following is an entry in ClinVar:

ClinVar aggregate classification (germline): Uncertain significance (1 of 4 stars; one submission).

Conditions:
Ullrich congenital muscular dystrophy 2 (UCMD2). Identifiers: Orphanet 75840, MedGen C4225314, MONDO:0014654, OMIM 616470.
Bethlem myopathy 2 (BTHLM2). Identifiers: Orphanet 536516, Orphanet 610, MedGen C4225313, MONDO:0034022, OMIM 616471.

Submission:

Labcorp Genetics (formerly Invitae), Labcorp
Classification: Uncertain significance for Bethlem myopathy 2; Ullrich congenital muscular dystrophy 2. Last evaluated: 2025-09-01. Review status: criteria provided, single submitter. Criteria: Invitae Variant Classification Sherloc (09022015). Collection method: clinical testing. Allele origin: germline.
Comment: This sequence change replaces aspartic acid, which is acidic and polar, with asparagine, which is neutral and polar, at codon 280 of the COL12A1 protein (p.Asp280Asn). This variant is not present in population databases (gnomAD no frequency). This variant has not been reported in the literature in individuals affected with COL12A1-related conditions. Invitae Evidence Modeling of protein sequence and biophysical properties (such as structural, functional, and spatial information, amino acid conservation, physicochemical variation, residue mobility, and thermodynamic stability) has been performed for this missense variant. However, the output from this modeling did not meet the statistical confidence thresholds required to predict the impact of this variant on COL12A1 protein function. In summary, the available evidence is currently insufficient to determine the role of this variant in disease. Therefore, it has been classified as a Variant of Uncertain Significance.

NM_004370.6(COL12A1):c.838G>A (p.Asp280Asn)

Gene: COL12A1 (collagen type XII alpha 1 chain; minus strand). Cytogenetic location: 6q13.
Variant type: single nucleotide variant.
Coding change: c.838G>A on transcript NM_004370.6 (MANE Select); coding-DNA position 838, G replaced by A.
Protein change: p.Asp280Asn; replaces aspartic acid 280 with asparagine.
Molecular consequence: missense variant. On other transcripts: intron variant (2).
Genome position (GRCh38, 1-based): chr6:75,188,521, C>T on the plus strand (G>A on the coding strand, the complement: COL12A1 is on the minus strand). VCF-style: chr6-75188521-C-T. GRCh37 (hg19) VCF-style: chr6-75898237-C-T.
Other names: c.838G>A, p.Asp280Asn (NM_001424113.1, NM_001424114.1, NM_001424115.1); c.73+14199G>A (NM_001424116.1, NM_080645.3); short protein forms D280N.
Identifiers: ClinVar variation 4783105 (VCV004783105.1).